The following is an entry in ClinVar:

ClinVar aggregate classification (germline): Pathogenic. Review status: criteria provided, multiple submitters, no conflicts (2 of 4 stars). 2 submissions from 2 submitters: Pathogenic (2). Last evaluated 2025-12-05.

Conditions:
Hereditary cancer-predisposing syndrome. Also called: Neoplastic Syndromes, Hereditary; Tumor predisposition; Hereditary neoplastic syndrome; Hereditary Cancer Syndrome. Identifiers: Orphanet 140162, MedGen C0027672, MeSH D009386, MONDO:0015356.
Hereditary nonpolyposis colorectal neoplasms. Identifiers: MedGen C0009405, MeSH D003123.

Submissions (2):

Ambry Genetics
Classification: Pathogenic for Hereditary cancer-predisposing syndrome. Last evaluated: 2025-12-05. Review status: criteria provided, single submitter. Criteria: Ambry Variant Classification Scheme 2023. Collection method: clinical testing. Allele origin: germline.
Comment: The c.2020_2147del128insTTGT pathogenic mutation, located in coding exon 4 of the MSH6 gene, results from the deletion of 128 nucleotides and insertion of 4 nucleotides causing a translational frameshift with a predicted alternate stop codon (p.G674Lfs*2). This variant is considered to be rare based on population cohorts in the Genome Aggregation Database (gnomAD). This alteration is expected to result in loss of function by premature protein truncation or nonsense-mediated mRNA decay. As such, this alteration is interpreted as a disease-causing mutation.

Labcorp Genetics (formerly Invitae), Labcorp
Classification: Pathogenic for Hereditary nonpolyposis colorectal neoplasms. Last evaluated: 2023-07-28. Review status: criteria provided, single submitter. Criteria: Invitae Variant Classification Sherloc (09022015). Collection method: clinical testing. Allele origin: germline.
Comment: For these reasons, this variant has been classified as Pathogenic. This variant has not been reported in the literature in individuals affected with MSH6-related conditions. This sequence change creates a premature translational stop signal (p.Gly674Leufs*2) in the MSH6 gene. It is expected to result in an absent or disrupted protein product. Loss-of-function variants in MSH6 are known to be pathogenic (PMID: 18269114, 24362816).

Literature cited by the submitters: PubMed 18269114 (cited by Labcorp Genetics (formerly Invitae), Labcorp); PubMed 24362816 (cited by Labcorp Genetics (formerly Invitae), Labcorp).

NM_000179.3(MSH6):c.2020_2147delinsTTGT (p.Gly674fs)

Gene: MSH6 (mutS homolog 6; plus strand). Cytogenetic location: 2p16.3.
Variant type: Indel.
Coding change: c.2020_2147delinsTTGT on transcript NM_000179.3 (MANE Select); coding-DNA positions 2020 to 2147, the reference bases replaced by TTGT.
Protein change: p.Gly674fs; shifts the reading frame from glycine 674.
Molecular consequence: frameshift variant.
Genome position (GRCh38, 1-based): chr2:47,800,003-47,800,130, 128 bases replaced. GRCh37 (hg19): chr2:48,027,142-48,027,269.
Other names: c.1630_1757delinsTTGT, p.Gly544fs (NM_001281492.2); c.1114_1241delinsTTGT, p.Gly372fs (NM_001281493.2, NM_001281494.2); short protein forms G372fs, G674fs, G544fs.
Identifiers: ClinVar variation 579397 (VCV000579397.12), dbSNP rs1558663954, ClinGen allele CA891842829.